The following is an entry in ClinVar:

NM_033116.6(NEK9):c.630G>A (p.Thr210=)

Gene: NEK9 (NIMA related kinase 9; minus strand). Cytogenetic location: 14q24.3.
Variant type: single nucleotide variant.
Coding change: c.630G>A on transcript NM_033116.6 (MANE Select); coding-DNA position 630, G replaced by A.
Protein change: p.Thr210=; no amino-acid change (threonine 210 retained).
Molecular consequence: synonymous variant.
Genome position (GRCh38, 1-based): chr14:75,118,830, C>T on the plus strand (G>A on the coding strand, the complement: NEK9 is on the minus strand). VCF-style: chr14-75118830-C-T. GRCh37 (hg19) VCF-style: chr14-75585533-C-T.
Other names: c.630G>A, p.Thr210= (NM_001329237.2); c.276G>A, p.Thr92= (NM_001329238.2); c.630G>A (NM_033116.4).
Identifiers: ClinVar variation 2572518 (VCV002572518.3), dbSNP rs752811634, ClinGen allele CA7277187.

ClinVar aggregate classification (germline): Uncertain significance. Review status: criteria provided, multiple submitters, no conflicts (2 of 4 stars). 2 submissions from 2 submitters: Uncertain significance (2). Last evaluated 2025-04-08.

Conditions:
Arthrogryposis, Perthes disease, and upward gaze palsy. Identifiers: MedGen C3280309, MONDO:0013660, OMIM 614262.

Allele frequency attached by ClinVar (database versions not stated): gnomAD exomes below 0.00001; ExAC 0.00001; gnomAD 0.00001.
gnomAD v4.1: 6 of 1,537,376 alleles (0.00039%); highest among the groups gnomAD compares: Admixed American, 0.0017%; no homozygotes.

Submissions (2):

GeneDx
Classification: Uncertain significance. Last evaluated: 2025-04-08. Review status: criteria provided, single submitter. Criteria: GeneDx Variant Classification Process June 2021. Collection method: clinical testing. Allele origin: germline.
Comment: In silico analysis supports a deleterious effect on splicing; Has not been previously published as pathogenic or benign to our knowledge

3billion
Classification: Uncertain significance for Arthrogryposis, Perthes disease, and upward gaze palsy. Review status: criteria provided, single submitter. Criteria: ACMG Guidelines, 2015. Collection method: clinical testing. Allele origin: unknown. Affected: yes. Observed: 1 homozygote.
Comment: The variant is observed at an extremely low frequency in the gnomAD v2.1.1 dataset (total allele frequency: 0.001%). In silico tools predict the variant to alter splicing and produce an abnormal transcript (SpliceAI: 0.71). Therefore, this variant is classified as Uncertain significance according to the recommendation of ACMG/AMP guideline.